The following is an entry in ClinVar:

NM_001002295.2(GATA3):c.863G>C (p.Cys288Ser)

Gene: GATA3 (GATA binding protein 3; plus strand). Cytogenetic location: 10p14.
Variant type: single nucleotide variant.
Coding change: c.863G>C on transcript NM_001002295.2 (MANE Select); coding-DNA position 863, G replaced by C.
Protein change: p.Cys288Ser; replaces cysteine 288 with serine.
Molecular consequence: missense variant.
Genome position (GRCh38, 1-based): chr10:8,064,077, G>C. VCF-style: chr10-8064077-G-C. GRCh37 (hg19) VCF-style: chr10-8106040-G-C.
Other names: c.860G>C, p.Cys287Ser (NM_002051.3); short protein forms C287S, C288S.
Identifiers: ClinVar variation 3066231 (VCV003066231.1), dbSNP rs2131500836, ClinGen allele CA375973553.

ClinVar aggregate classification (germline): Likely pathogenic (1 of 4 stars; one submission).

Conditions:
Hypoparathyroidism, deafness, renal disease syndrome (HDRS). Also called: HYPOPARATHYROIDISM, SENSORINEURAL DEAFNESS, AND RENAL DYSPLASIA SYNDROME. Identifiers: Orphanet 2237, MedGen C1840333, MONDO:0007797, OMIM 146255.

Submission:

MVZ Medizinische Genetik Mainz
Classification: Likely pathogenic for Hypoparathyroidism, deafness, renal disease syndrome. Last evaluated: 2023-04-20. Review status: criteria provided, single submitter. Criteria: UK Practice Guidelines For Variant Classification V4 01 2020. Collection method: clinical testing. Allele origin: germline. Inheritance: Autosomal dominant inheritance. Affected: yes. Observed: 1 variant allele.
Comment: ACMG Criteria: PM5,PP3_MOD,PM1_SUP,PM2_SUP,PP2